The following is an entry in ClinVar:

NM_003072.5(SMARCA4):c.70C>T (p.Pro24Ser)

Gene: SMARCA4 (SWI/SNF related BAF chromatin remodeling complex subunit ATPase 4; plus strand). Cytogenetic location: 19p13.2.
Variant type: single nucleotide variant.
Coding change: c.70C>T on transcript NM_003072.5 (MANE Select); coding-DNA position 70, C replaced by T.
Protein change: p.Pro24Ser; replaces proline 24 with serine.
Molecular consequence: missense variant. On other transcripts: non-coding transcript variant (1).
Genome position (GRCh38, 1-based): chr19:10,984,221, C>T. VCF-style: chr19-10984221-C-T. GRCh37 (hg19) VCF-style: chr19-11094897-C-T.
Other names: c.70C>T, p.Pro24Ser (NM_001128844.3, NM_001128845.2, NM_001128846.2 and 4 more transcripts); short protein forms P24S.
Identifiers: ClinVar variation 834817 (VCV000834817.10), dbSNP rs1060502057, ClinGen allele CA404054062.

ClinVar aggregate classification (germline): Uncertain significance. Review status: criteria provided, multiple submitters, no conflicts (2 of 4 stars). 2 submissions from 2 submitters: Uncertain significance (2). Last evaluated 2025-11-25.

Conditions:
Hereditary cancer-predisposing syndrome. Also called: Hereditary neoplastic syndrome; Neoplastic Syndromes, Hereditary; Tumor predisposition; Hereditary Cancer Syndrome. Identifiers: Orphanet 140162, MedGen C0027672, MeSH D009386, MONDO:0015356.
Rhabdoid tumor predisposition syndrome 2 (RTPS2). Identifiers: Orphanet 231108, Orphanet 69077, MedGen C2750074, MONDO:0013224, OMIM 613325.

Allele frequency attached by ClinVar (database versions not stated): gnomAD exomes below 0.00001.
gnomAD v4.1: 2 of 1,612,800 alleles (0.00012%); highest among the groups gnomAD compares: African/African-American, 0.0013%; no homozygotes.

Submissions (2):

Labcorp Genetics (formerly Invitae), Labcorp
Classification: Uncertain significance for Rhabdoid tumor predisposition syndrome 2. Last evaluated: 2025-11-25. Review status: criteria provided, single submitter. Criteria: Invitae Variant Classification Sherloc (09022015). Collection method: clinical testing. Allele origin: germline.
Comment: This sequence change replaces proline, which is neutral and non-polar, with serine, which is neutral and polar, at codon 24 of the SMARCA4 protein (p.Pro24Ser). This variant is present in population databases (no rsID available, gnomAD 0.0009%). This variant has not been reported in the literature in individuals affected with SMARCA4-related conditions. ClinVar contains an entry for this variant (Variation ID: 834817). Invitae Evidence Modeling of protein sequence and biophysical properties (such as structural, functional, and spatial information, amino acid conservation, physicochemical variation, residue mobility, and thermodynamic stability) has been performed for this missense variant. However, the output from this modeling did not meet the statistical confidence thresholds required to predict the impact of this variant on SMARCA4 protein function. In summary, the available evidence is currently insufficient to determine the role of this variant in disease. Therefore, it has been classified as a Variant of Uncertain Significance.

Ambry Genetics
Classification: Uncertain significance for Hereditary cancer-predisposing syndrome. Last evaluated: 2025-03-29. Review status: criteria provided, single submitter. Criteria: Ambry Variant Classification Scheme 2023. Collection method: clinical testing. Allele origin: germline.
Comment: The p.P24S variant (also known as c.70C>T), located in coding exon 1 of the SMARCA4 gene, results from a C to T substitution at nucleotide position 70. The proline at codon 24 is replaced by serine, an amino acid with similar properties. This amino acid position is conserved. In addition, the in silico prediction for this alteration is inconclusive. Based on the available evidence, the clinical significance of this variant remains unclear.